The following is an entry in ClinVar:

ClinVar aggregate classification (germline): Conflicting classifications of pathogenicity. Review status: criteria provided, conflicting classifications (1 of 4 stars). 3 submissions from 3 submitters: Uncertain significance (1); Benign (1). 1 of the submissions does not count toward it. Last evaluated 2025-09-16.

Conditions:
Hereditary cancer-predisposing syndrome. Also called: Tumor predisposition; Hereditary Cancer Syndrome; Hereditary neoplastic syndrome; Neoplastic Syndromes, Hereditary. Identifiers: Orphanet 140162, MedGen C0027672, MeSH D009386, MONDO:0015356.
Familial adenomatous polyposis 2. Also called: COLORECTAL ADENOMATOUS POLYPOSIS, AUTOSOMAL RECESSIVE; MUTYH Polyposis; MUTYH-associated polyposis; MUTYH-related attenuated familial adenomatous polyposis; Adenomas, multiple colorectal; ADENOMAS, MULTIPLE COLORECTAL, AUTOSOMAL RECESSIVE. Identifiers: Orphanet 220460, Orphanet 247798, MedGen C3272841, MONDO:0012041, OMIM 608456.

Submissions (3):

Ambry Genetics
Classification: Benign for Hereditary cancer-predisposing syndrome. Last evaluated: 2025-09-16. Review status: criteria provided, single submitter. Criteria: Ambry Variant Classification Scheme 2023. Collection method: clinical testing. Allele origin: germline.

Labcorp Genetics (formerly Invitae), Labcorp
Classification: Uncertain significance for Familial adenomatous polyposis 2. Last evaluated: 2024-06-16. Review status: criteria provided, single submitter. Criteria: Invitae Variant Classification Sherloc (09022015). Collection method: clinical testing. Allele origin: germline.
Comment: This sequence change replaces glycine, which is neutral and non-polar, with valine, which is neutral and non-polar, at codon 264 of the MUTYH protein (p.Gly264Val). This variant is not present in population databases (gnomAD no frequency). This variant has not been reported in the literature in individuals affected with MUTYH-related conditions. ClinVar contains an entry for this variant (Variation ID: 433933). An algorithm developed to predict the effect of missense changes on protein structure and function (PolyPhen-2) suggests that this variant is likely to be tolerated. In summary, the available evidence is currently insufficient to determine the role of this variant in disease. Therefore, it has been classified as a Variant of Uncertain Significance.

Department of Pathology and Laboratory Medicine, Sinai Health System
Classification: Uncertain significance. Review status: no assertion criteria provided. Collection method: clinical testing. Allele origin: unknown. Affected: yes. Study: The Canadian Open Genetics Repository (COGR). Not counted in ClinVar's aggregate classification.

NM_001048174.2(MUTYH):c.707G>T (p.Gly236Val)

Gene: MUTYH (mutY DNA glycosylase; minus strand). Cytogenetic location: 1p34.1.
Variant type: single nucleotide variant.
Coding change: c.707G>T on transcript NM_001048174.2 (MANE Select); coding-DNA position 707, G replaced by T.
Protein change: p.Gly236Val; replaces glycine 236 with valine.
Molecular consequence: missense variant. On other transcripts: non-coding transcript variant (2).
Genome position (GRCh38, 1-based): chr1:45,332,308, C>A on the plus strand (G>T on the coding strand, the complement: MUTYH is on the minus strand). VCF-style: chr1-45332308-C-A. GRCh37 (hg19) VCF-style: chr1-45797980-C-A.
Other names: c.707G>T, p.Gly236Val (NM_001048171.2, NM_001048173.2, NM_001293195.2); c.710G>T, p.Gly237Val (NM_001048172.2); c.791G>T, p.Gly264Val (NM_001128425.2); c.752G>T, p.Gly251Val (NM_001293190.2); c.740G>T, p.Gly247Val (NM_001293191.2); c.431G>T, p.Gly144Val (NM_001293192.2, NM_001293196.2); c.362G>T, p.Gly121Val (NM_001350650.2, NM_001350651.2); c.782G>T, p.Gly261Val (NM_012222.3); short protein forms G264V, G144V, G237V, G251V, G236V, G261V, G121V, G247V.
Identifiers: ClinVar variation 433933 (VCV000433933.11), dbSNP rs1570404090, ClinGen allele CA340134723.